The following is an entry in ClinVar:

ClinVar aggregate classification (germline): Uncertain significance (1 of 4 stars; one submission).

Conditions:
Frontotemporal dementia and/or amyotrophic lateral sclerosis 4. Also called: FTDALS4. Identifiers: Orphanet 275872, MedGen C4225325, MONDO:0014641, OMIM 616439.

Submission:

Labcorp Genetics (formerly Invitae), Labcorp
Classification: Uncertain significance for Frontotemporal dementia and/or amyotrophic lateral sclerosis 4. Last evaluated: 2022-11-01. Review status: criteria provided, single submitter. Criteria: Invitae Variant Classification Sherloc (09022015). Collection method: clinical testing. Allele origin: germline.
Comment: This variant is not present in population databases (gnomAD no frequency). This sequence change replaces asparagine, which is neutral and polar, with serine, which is neutral and polar, at codon 489 of the TBK1 protein (p.Asn489Ser). This variant has not been reported in the literature in individuals affected with TBK1-related conditions. In summary, the available evidence is currently insufficient to determine the role of this variant in disease. Therefore, it has been classified as a Variant of Uncertain Significance. Advanced modeling of protein sequence and biophysical properties (such as structural, functional, and spatial information, amino acid conservation, physicochemical variation, residue mobility, and thermodynamic stability) performed at Invitae indicates that this missense variant is not expected to disrupt TBK1 protein function. ClinVar contains an entry for this variant (Variation ID: 1474486).

NM_013254.4(TBK1):c.1466A>G (p.Asn489Ser)

Gene: TBK1 (TANK binding kinase 1; plus strand). Cytogenetic location: 12q14.2.
Variant type: single nucleotide variant.
Coding change: c.1466A>G on transcript NM_013254.4 (MANE Select); coding-DNA position 1466, A replaced by G.
Protein change: p.Asn489Ser; replaces asparagine 489 with serine.
Molecular consequence: missense variant.
Genome position (GRCh38, 1-based): chr12:64,490,064, A>G. VCF-style: chr12-64490064-A-G. GRCh37 (hg19) VCF-style: chr12-64883844-A-G.
Other names: short protein forms N489S.
Identifiers: ClinVar variation 1474486 (VCV001474486.8), dbSNP rs2136082596, ClinGen allele CA385602892.